The following is an entry in ClinVar:

NM_205861.3(DHDDS):c.253C>T (p.Arg85Cys)

Gene: DHDDS (dehydrodolichyl diphosphate synthase subunit; plus strand). Cytogenetic location: 1p36.11.
Variant type: single nucleotide variant.
Coding change: c.253C>T on transcript NM_205861.3 (MANE Select); coding-DNA position 253, C replaced by T.
Protein change: p.Arg85Cys; replaces arginine 85 with cysteine.
Molecular consequence: missense variant. On other transcripts: 5 prime UTR variant (1).
Genome position (GRCh38, 1-based): chr1:26,442,803, C>T. VCF-style: chr1-26442803-C-T. GRCh37 (hg19) VCF-style: chr1-26769294-C-T.
Other names: c.253C>T, p.Arg85Cys (NM_001243564.2, NM_001243565.2, NM_024887.4); c.-27C>T (NM_001319959.2); short protein forms R85C.
Identifiers: ClinVar variation 4531430 (VCV004531430.2).
Genomic context (GRCh38, chr1:26,442,803, plus strand): 5'-TGTTTGAACCTGGGCATCCTAGAGGTGACAGTCTACGCATTCAGCATTGAGAACTTCAAA[C>T]GCTCCAAGAGTGAGGTAGACGGGCTTATGGATCTGGCCCGGCAGAAGTTCAGCCGCTTGA-3'
Protein context (NP_995583.1, residues 75-95): VYAFSIENFK[Arg85Cys]SKSEVDGLMD

ClinVar aggregate classification (germline): Conflicting classifications of pathogenicity. Review status: criteria provided, conflicting classifications (1 of 4 stars). 2 submissions from 2 submitters: Likely pathogenic (1); Uncertain significance (1). Last evaluated 2024-12-19.

Conditions:
Developmental delay and seizures with or without movement abnormalities. Identifiers: MedGen C4693376, MONDO:0044326, OMIM 617836.

Submissions (2):

Victorian Clinical Genetics Services, Murdoch Childrens Research Institute
Classification: Likely pathogenic for Developmental delay and seizures with or without movement abnormalities. Last evaluated: 2024-12-19. Review status: criteria provided, single submitter. Criteria: ACMG Guidelines, 2015. Collection method: clinical testing. Allele origin: germline. Affected: yes.
Comment: This variant is classified as Likely pathogenic. Evidence in support of pathogenic classification: Variant is absent from gnomAD (v2, v3 and v4); Missense variant predicted to be damaging by in silico tool(s) or highly conserved with a major amino acid change; Additional information: Variant is predicted to result in a missense amino acid change from arginine to cysteine; This variant is heterozygous; This gene is associated with both recessive and dominant disease. Variants resulting in a premature termination codon and a founder missense variant within the Ashkenazi Jewish population have both been reported to cause a recessive condition (OMIM, PMID: 27343064). However, only missense variants have been reported for the dominant condition (PMID: 29100083); This variant has no previous evidence of pathogenicity; No published segregation evidence has been identified for this variant; No published functional evidence has been identified for this variant; Another missense variant(s) comparable to the one identified in this case has inconclusive previous evidence for pathogenicity. p.(Arg85His) has been classified as a VUS by a diagnostic laboratory in ClinVar; Variant is located in the annotated putative undecaprenyl diphosphate synthase domain and this residue is annotated as a binding site (DECIPHER); Loss of function is a known mechanism of disease in this gene and is associated with retinitis pigmentosa 59 (MIM#613861) and congenital disorder of glycosylation, type 1bb (MIM#613861); these two conditions have been lumped by ClinGen and are also referred to as congenital disorder of glycosylation (MONDO:0015286), DHDDS-related. This gene is also associated with developmental delay and seizures with or without movement abnormalities (MIM#617836), whereby missense variants are suspected to have a dominant negative effect (PMIDs: 33077723, 34382076).

Blueprint Genetics
Classification: Uncertain significance. Last evaluated: 2024-01-10. Review status: criteria provided, single submitter. Criteria: ACMG Guidelines, 2015. Collection method: clinical testing. Allele origin: germline.

Literature cited by the submitters: PubMed 29100083 (cited by Victorian Clinical Genetics Services, Murdoch Childrens Research Institute); PubMed 34382076 (cited by Victorian Clinical Genetics Services, Murdoch Childrens Research Institute); PubMed 27343064 (cited by Victorian Clinical Genetics Services, Murdoch Childrens Research Institute); PubMed 33077723 (cited by Victorian Clinical Genetics Services, Murdoch Childrens Research Institute).